The following is an entry in ClinVar:

NM_001363711.2(DUOX2):c.2359G>A (p.Ala787Thr)

Gene: DUOX2 (dual oxidase 2; minus strand). Cytogenetic location: 15q21.1.
Variant type: single nucleotide variant.
Coding change: c.2359G>A on transcript NM_001363711.2 (MANE Select); coding-DNA position 2359, G replaced by A.
Protein change: p.Ala787Thr; replaces alanine 787 with threonine.
Molecular consequence: missense variant.
Genome position (GRCh38, 1-based): chr15:45,104,341, C>T on the plus strand (G>A on the coding strand, the complement: DUOX2 is on the minus strand). VCF-style: chr15-45104341-C-T. GRCh37 (hg19) VCF-style: chr15-45396539-C-T.
Other names: c.2359G>A, p.Ala787Thr (NM_014080.5); short protein forms A787T.
Identifiers: ClinVar variation 1355888 (VCV001355888.8), dbSNP rs774230240, ClinGen allele CA7538269.
Genomic context (GRCh38, chr15:45,104,341, plus strand): 5'-TCAGCTCGCAGGTCAGGGCCTCCCGCACCTTCTGGGAGGAGTCCAGGGGCAGGGTCCCTG[C>T]GTCGGCCTGGTTGATGTCCAGCACCTGCACTCGGGCAGCAGCAGAGGGAGGGAAAGAGAA-3'
Protein context (NP_001350640.1, residues 777-797): AQVLDINQAD[Ala787Thr]GTLPLDSSQK

ClinVar aggregate classification (germline): Uncertain significance (1 of 4 stars; one submission).

Allele frequency attached by ClinVar (database versions not stated): gnomAD 0.00001; gnomAD exomes 0.00001; TOPMed 0.00001; ExAC 0.00002.
gnomAD v4.1: 11 of 1,613,712 alleles (0.00068%); highest among the groups gnomAD compares: African/African-American, 0.0013%; no homozygotes.

Submission:

Labcorp Genetics (formerly Invitae), Labcorp
Classification: Uncertain significance. Last evaluated: 2024-04-11. Review status: criteria provided, single submitter. Criteria: Invitae Variant Classification Sherloc (09022015). Collection method: clinical testing. Allele origin: germline.
Comment: This sequence change replaces alanine, which is neutral and non-polar, with threonine, which is neutral and polar, at codon 787 of the DUOX2 protein (p.Ala787Thr). This variant is present in population databases (rs774230240, gnomAD 0.005%). This variant has not been reported in the literature in individuals affected with DUOX2-related conditions. ClinVar contains an entry for this variant (Variation ID: 1355888). Advanced modeling of protein sequence and biophysical properties (such as structural, functional, and spatial information, amino acid conservation, physicochemical variation, residue mobility, and thermodynamic stability) performed at Invitae indicates that this missense variant is not expected to disrupt DUOX2 protein function with a negative predictive value of 80%. In summary, the available evidence is currently insufficient to determine the role of this variant in disease. Therefore, it has been classified as a Variant of Uncertain Significance.